The following is an entry in ClinVar:

NM_005219.5(DIAPH1):c.1796C>T (p.Pro599Leu)

Gene: DIAPH1 (diaphanous related formin 1; minus strand). Cytogenetic location: 5q31.3.
Variant type: single nucleotide variant.
Coding change: c.1796C>T on transcript NM_005219.5 (MANE Select); coding-DNA position 1796, C replaced by T.
Protein change: p.Pro599Leu; replaces proline 599 with leucine.
Molecular consequence: missense variant.
Genome position (GRCh38, 1-based): chr5:141,574,054, G>A on the plus strand (C>T on the coding strand, the complement: DIAPH1 is on the minus strand). VCF-style: chr5-141574054-G-A. GRCh37 (hg19) VCF-style: chr5-140953621-G-A.
Other names: c.1796C>T (NM_005219.4); c.1769C>T, p.Pro590Leu (NM_001079812.3); c.1796C>T, p.Pro599Leu (NM_001314007.2); short protein forms P599L, P590L.
Identifiers: ClinVar variation 1045271 (VCV001045271.10), dbSNP rs1266407564, ClinGen allele CA361521138.
Genomic context (GRCh38, chr5:141,574,054, plus strand): 5'-GGTGGAGGAGGAGGAGGAGGAGGAGGAGGAGGAGGAGTGGTACTATCCCCAGGAGCAGGT[G>A]GTGGTGGAATAATAGTGCCAGAGTCACCAGGTAAAGGAGGGGCAGGGGGAACAGGAGCAC-3'
Protein context (NP_005210.3, residues 589-609): PGDSGTIIPP[Pro599Leu]PAPGDSTTPP

ClinVar aggregate classification (germline): Uncertain significance. Review status: criteria provided, multiple submitters, no conflicts (2 of 4 stars). 2 submissions from 2 submitters: Uncertain significance (2). Last evaluated 2025-11-26.

Conditions:
Inborn genetic diseases. Identifiers: MedGen C0950123, MeSH D030342.
Autosomal dominant nonsyndromic hearing loss 1. Also called: KONIGSMARK SYNDROME; DEAFNESS, AUTOSOMAL DOMINANT 1, WITH OR WITHOUT THROMBOCYTOPENIA. Identifiers: Orphanet 90635, MedGen C1852282, MONDO:0007424, OMIM 124900.
Progressive microcephaly-seizures-cortical blindness-developmental delay syndrome. Also called: Seizures, cortical blindness, and microcephaly syndrome. Identifiers: Orphanet 477814, MedGen C5567650, MONDO:0014714, OMIM 616632.

Allele frequency attached by ClinVar (database versions not stated): gnomAD exomes below 0.00001; gnomAD 0.00003.
gnomAD v4.1: 8 of 1,602,676 alleles (0.0005%); highest among the groups gnomAD compares: African/African-American, 0.0054%; no homozygotes.

Submissions (2):

Ambry Genetics
Classification: Uncertain significance for Inborn genetic diseases. Last evaluated: 2025-11-26. Review status: criteria provided, single submitter. Criteria: Ambry Variant Classification Scheme 2023. Collection method: clinical testing. Allele origin: germline.

Labcorp Genetics (formerly Invitae), Labcorp
Classification: Uncertain significance for Progressive microcephaly-seizures-cortical blindness-developmental delay syndrome; Autosomal dominant nonsyndromic hearing loss 1. Last evaluated: 2022-08-31. Review status: criteria provided, single submitter. Criteria: Invitae Variant Classification Sherloc (09022015). Collection method: clinical testing. Allele origin: germline.
Comment: In summary, the available evidence is currently insufficient to determine the role of this variant in disease. Therefore, it has been classified as a Variant of Uncertain Significance. Algorithms developed to predict the effect of missense changes on protein structure and function output the following: SIFT: "Tolerated"; PolyPhen-2: "Not Available"; Align-GVGD: "Class C0". The leucine amino acid residue is found in multiple mammalian species, which suggests that this missense change does not adversely affect protein function. ClinVar contains an entry for this variant (Variation ID: 1045271). This variant has not been reported in the literature in individuals affected with DIAPH1-related conditions. This variant is not present in population databases (gnomAD no frequency). This sequence change replaces proline, which is neutral and non-polar, with leucine, which is neutral and non-polar, at codon 599 of the DIAPH1 protein (p.Pro599Leu).